The following is an entry in ClinVar:

ClinVar aggregate classification (germline): Benign (1 of 4 stars; one submission).

Allele frequency attached by ClinVar (database versions not stated): 1000 Genomes Project 0.09245; 1000 Genomes Project 30x 0.09478; gnomAD 0.12112; TOPMed 0.12116; ExAC 0.12218; gnomAD exomes 0.14849.
gnomAD v4.1: 225,520 of 1,545,614 alleles (15%); highest among the groups gnomAD compares: Middle Eastern, 18%; 17,597 homozygotes.

Submission:

Unidad de Genómica Garrahan, Hospital de Pediatría Garrahan
Classification: Benign. Last evaluated: 2024-01-24. Review status: criteria provided, single submitter. Criteria: ACMG Guidelines, 2015. Collection method: clinical testing. Allele origin: germline. Affected: no. Observed: 20 variant alleles.
Comment: This variant is classified as Benign based on local population frequency. This variant was detected in 23% of patients studied by a panel of primary immunodeficiencies. Number of patients: 20. Only high quality variants are reported.

NM_000416.3(IFNGR1):c.85+3925C>T

Gene: IFNGR1 (interferon gamma receptor 1; minus strand). Cytogenetic location: 6q23.3.
Variant type: single nucleotide variant.
Coding change: c.85+3925C>T on transcript NM_000416.3 (MANE Select); 3925 bases into the intron after coding-DNA position 85, C replaced by T.
Molecular consequence: intron variant. On other transcripts: missense variant (1).
Genome position (GRCh38, 1-based): chr6:137,215,318, G>A on the plus strand (C>T on the coding strand, the complement: IFNGR1 is on the minus strand). VCF-style: chr6-137215318-G-A. GRCh37 (hg19) VCF-style: chr6-137536455-G-A.
Other names: c.4C>T, p.Leu2Phe (NM_001363526.1); c.-39+3354C>T (NM_001363527.1); short protein forms L2F.
Identifiers: ClinVar variation 2688498 (VCV002688498.2), dbSNP rs1327475, ClinGen allele CA4019069.